The following is an entry in ClinVar:

NM_000535.7(PMS2):c.2174+1G>C

Gene: PMS2 (PMS1 homolog 2, mismatch repair system component; minus strand). Cytogenetic location: 7p22.1.
Variant type: single nucleotide variant.
Coding change: c.2174+1G>C on transcript NM_000535.7 (MANE Select); the canonical splice donor site of the intron after coding-DNA position 2174, G replaced by C.
Molecular consequence: splice donor variant. On other transcripts: intron variant (4).
Genome position (GRCh38, 1-based): chr7:5,982,823, C>G on the plus strand (G>C on the coding strand, the complement: PMS2 is on the minus strand). VCF-style: chr7-5982823-C-G. GRCh37 (hg19) VCF-style: chr7-6022454-C-G.
Other names: c.1856+1G>C (NM_001322008.2, NM_001406883.1, NM_001322007.2 and 1 more transcripts); c.1865+1G>C (NM_001406881.1, NM_001406879.1, NM_001322015.2 and 5 more transcripts); c.1769+1G>C (NM_001406895.1, NM_001322004.2, NM_001406889.1 and 14 more transcripts); c.1403+1G>C (NM_001406911.1); c.1613+1G>C (NM_001322010.2, NM_001406906.1, NM_001406907.1); c.1700+1G>C (NM_001406902.1, NM_001406901.1); c.1661+1G>C (NM_001406904.1, NM_001406905.1); c.1601+1G>C (NM_001322013.2, NM_001406909.1); and 16 more.
Identifiers: ClinVar variation 1073933 (VCV001073933.8), dbSNP rs267608172, ClinGen allele CA153224679.

ClinVar aggregate classification (germline): Pathogenic/Likely pathogenic. Review status: criteria provided, multiple submitters, no conflicts (2 of 4 stars). 2 submissions from 2 submitters: Pathogenic (1); Likely pathogenic (1). Last evaluated 2024-12-03.

Conditions:
Lynch syndrome 4 (LYNCH4). Also called: Hereditary non-polyposis colorectal cancer, type 4; Colorectal cancer, hereditary nonpolyposis, type 4. Identifiers: Orphanet 144, MedGen C1838333, MONDO:0013699, OMIM 614337. Disease mechanism: loss of function.
Hereditary nonpolyposis colorectal neoplasms. Identifiers: MedGen C0009405, MeSH D003123.

Allele frequency attached by ClinVar (database versions not stated): TOPMed below 0.00001.

Submissions (2):

Labcorp Genetics (formerly Invitae), Labcorp
Classification: Pathogenic for Hereditary nonpolyposis colorectal neoplasms. Last evaluated: 2024-12-03. Review status: criteria provided, single submitter. Criteria: Invitae Variant Classification Sherloc (09022015). Collection method: clinical testing. Allele origin: germline.
Comment: This sequence change affects a donor splice site in intron 12 of the PMS2 gene. RNA analysis indicates that disruption of this splice site induces altered splicing and likely results in a shortened protein product. The frequency data for this variant in the population databases (gnomAD) is considered unreliable due to the presence of homologous sequence, such as pseudogenes or paralogs, in the genome. Disruption of this splice site has been observed in individuals with colorectal cancer, breast cancer, ovarian cancer, pancreatic cancer, suspected Lynch syndrome, and constitutional mismatch repair deficiency syndrome (PMID: 18602922, 20205264, 21376568, 23012243, 25186627, 26110232, 26681312, 28135145, 30067863). ClinVar contains an entry for this variant (Variation ID: 1073933). Studies have shown that disruption of this splice site results in skipping of exon 12, but is expected to preserve the integrity of the reading-frame (PMID: 21376568, 26247049). This variant disrupts the MLH1 interaction domain of the PMS2 protein, which has been shown to be critical for PMS2-MLH1 dimerization (PMID: 10037723), and therefore mismatch repair activity (PMID: 16338176, 20533529). While functional studies have not been performed to directly test the effect of this variant on PMS2 protein function, this suggests that disruption of this region of the protein is causative of disease. For these reasons, this variant has been classified as Pathogenic.

Myriad Genetics, Inc.
Classification: Likely pathogenic for Lynch syndrome 4. Last evaluated: 2023-09-21. Review status: criteria provided, single submitter. Criteria: Myriad Autosomal Dominant, Autosomal Recessive and X-Linked Classification Criteria (2023). Collection method: clinical testing. Allele origin: unknown.
Comment: This variant is considered likely pathogenic. This variant occurs within a consensus splice junction and is predicted to result in abnormal mRNA splicing of either an out-of-frame exon or an in-frame exon necessary for protein stability and/or normal function.

Literature cited by the submitters: PubMed 18602922 (cited by Labcorp Genetics (formerly Invitae), Labcorp); PubMed 20205264 (cited by Labcorp Genetics (formerly Invitae), Labcorp); PubMed 21376568 (cited by Labcorp Genetics (formerly Invitae), Labcorp); PubMed 23012243 (cited by Labcorp Genetics (formerly Invitae), Labcorp); PubMed 25186627 (cited by Labcorp Genetics (formerly Invitae), Labcorp); PubMed 26110232 (cited by Labcorp Genetics (formerly Invitae), Labcorp); PubMed 26681312 (cited by Labcorp Genetics (formerly Invitae), Labcorp); PubMed 28135145 (cited by Labcorp Genetics (formerly Invitae), Labcorp); PubMed 30067863 (cited by Labcorp Genetics (formerly Invitae), Labcorp); PubMed 26247049 (cited by Labcorp Genetics (formerly Invitae), Labcorp); PubMed 10037723 (cited by Labcorp Genetics (formerly Invitae), Labcorp); PubMed 16338176 (cited by Labcorp Genetics (formerly Invitae), Labcorp); PubMed 20533529 (cited by Labcorp Genetics (formerly Invitae), Labcorp).